The following is an entry in ClinVar:

NM_001122630.2(CDKN1C):c.668G>T (p.Gly223Val)

Gene: CDKN1C (cyclin dependent kinase inhibitor 1C; minus strand). Cytogenetic location: 11p15.4.
Variant type: single nucleotide variant.
Coding change: c.668G>T on transcript NM_001122630.2 (MANE Select); coding-DNA position 668, G replaced by T.
Protein change: p.Gly223Val; replaces glycine 223 with valine.
Molecular consequence: missense variant. On other transcripts: intron variant (1).
Genome position (GRCh38, 1-based): chr11:2,884,789, C>A on the plus strand (G>T on the coding strand, the complement: CDKN1C is on the minus strand). VCF-style: chr11-2884789-C-A. GRCh37 (hg19) VCF-style: chr11-2906019-C-A.
Other names: c.701G>T, p.Gly234Val (NM_000076.2, NM_001362474.2); c.668G>T, p.Gly223Val (NM_001122631.2); c.255+413G>T (NM_001362475.2); short protein forms G223V, G234V.
Identifiers: ClinVar variation 2085223 (VCV002085223.4), dbSNP rs1203065343, ClinGen allele CA379145812.

ClinVar aggregate classification (germline): Uncertain significance (1 of 4 stars; one submission).

Conditions:
Beckwith-Wiedemann syndrome (BWS). Also called: Exomphalos macroglossia gigantism syndrome; EMG SYNDROME. Identifiers: Orphanet 116, MedGen C0004903, MONDO:0007534, OMIM 130650.

Allele frequency attached by ClinVar (database versions not stated): TOPMed 0.00001.

Submission:

Labcorp Genetics (formerly Invitae), Labcorp
Classification: Uncertain significance for Beckwith-Wiedemann syndrome. Last evaluated: 2022-05-12. Review status: criteria provided, single submitter. Criteria: Invitae Variant Classification Sherloc (09022015). Collection method: clinical testing. Allele origin: germline.
Comment: In summary, the available evidence is currently insufficient to determine the role of this variant in disease. Therefore, it has been classified as a Variant of Uncertain Significance. Algorithms developed to predict the effect of missense changes on protein structure and function are either unavailable or do not agree on the potential impact of this missense change (SIFT: "Deleterious"; PolyPhen-2: "Not Available"; Align-GVGD: "Class C0"). This variant has not been reported in the literature in individuals affected with CDKN1C-related conditions. This variant is not present in population databases (gnomAD no frequency). This sequence change replaces glycine, which is neutral and non-polar, with valine, which is neutral and non-polar, at codon 234 of the CDKN1C protein (p.Gly234Val).